The following is an entry in ClinVar:

GRCh38/hg38 Xp22.33(chrX:413881-843100)x3

Genes: CNE-2 (CNE-2 enhancer upstream of SHOX; plus strand), CNE-3 (CNE-3 enhancer upstream of SHOX; plus strand), CNE-5 (CNE-5 enhancer upstream of SHOX; plus strand), CNE4 (CNE4 enhancer downstream of SHOX; plus strand), CNE5 (CNE5 enhancer downstream of SHOX; plus strand) and 5 more. Cytogenetic location: Xp22.33.
Variant type: copy number gain.
Change: copy number 3 of chrX:413,881-843,100 (429.2 kb, GRCh38 coordinates, 1-based), cytogenetic band Xp22.33.
Identifiers: ClinVar variation 58502 (VCV000058502.2).

ClinVar aggregate classification (germline): Uncertain significance (1 of 4 stars; one submission).

Submission:

ISCA Site 6
Classification: Uncertain significance. Last evaluated: 2011-08-12. Review status: criteria provided, single submitter. Criteria: Kaminsky et al. (Genet Med. 2011). Collection method: clinical testing. Allele origin: unknown. Affected: yes. Observed: 1 variant allele.
Comment: Copy number variation identified through the course of routine clinical cytogenomic testing in postnatal populations. Clinical assertions have been curated as described in Kaminsky et al. 2011.